The following is an entry in ClinVar:

ClinVar aggregate classification (germline): Uncertain significance. Review status: criteria provided, multiple submitters, no conflicts (2 of 4 stars). 5 submissions from 5 submitters: Uncertain significance (5). Last evaluated 2025-11-26.

Conditions:
Naxos disease (NXD). Also called: KERATOSIS PALMOPLANTARIS WITH ARRHYTHMOGENIC CARDIOMYOPATHY; MAL DE NAXOS; WOOLLY HAIR, PALMOPLANTAR KERATODERMA, AND CARDIAC ABNORMALITIES; PALMOPLANTAR KERATODERMA WITH ARRHYTHMOGENIC RIGHT VENTRICULAR CARDIOMYOPATHY AND WOOLLY HAIR; CARDIOMYOPATHY, ARRHYTHMOGENIC RIGHT VENTRICULAR, WITH SKIN, HAIR, AND NAIL ABNORMALITIES. Identifiers: Orphanet 34217, MedGen C1832600, MONDO:0011017, OMIM 601214.
Arrhythmogenic right ventricular dysplasia 12. Also called: ARRHYTHMOGENIC RIGHT VENTRICULAR DYSPLASIA, FAMILIAL, 12. Identifiers: MedGen C1969081, MONDO:0012684, OMIM 611528.
JUP-related disorder. Also called: JUP-related condition.
Cardiovascular phenotype. Identifiers: MedGen CN230736.

Allele frequency attached by ClinVar (database versions not stated): gnomAD exomes 0.00002; TOPMed 0.00003; ESP Exome Variant Server 0.00008.
gnomAD v4.1: 80 of 1,612,230 alleles (0.005%); highest among the groups gnomAD compares: Non-Finnish European, 0.0062%; no homozygotes.

Submissions (5):

Labcorp Genetics (formerly Invitae), Labcorp
Classification: Uncertain significance for Arrhythmogenic right ventricular dysplasia 12; Naxos disease. Last evaluated: 2025-11-26. Review status: criteria provided, single submitter. Criteria: Invitae Variant Classification Sherloc (09022015). Collection method: clinical testing. Allele origin: germline.
Comment: This sequence change replaces arginine, which is basic and polar, with histidine, which is basic and polar, at codon 191 of the JUP protein (p.Arg191His). This variant is present in population databases (rs143502391, gnomAD 0.007%). This variant has not been reported in the literature in individuals affected with JUP-related conditions. ClinVar contains an entry for this variant (Variation ID: 518496). An algorithm developed to predict the effect of missense changes on protein structure and function (PolyPhen-2) suggests that this variant is likely to be tolerated. In summary, the available evidence is currently insufficient to determine the role of this variant in disease. Therefore, it has been classified as a Variant of Uncertain Significance.

PreventionGenetics, part of Exact Sciences
Classification: Uncertain significance for JUP-related condition. Last evaluated: 2025-02-28. Review status: criteria provided, single submitter. Criteria: ACMG Guidelines, 2015. Collection method: clinical testing. Allele origin: germline.
Comment: The JUP c.572G>A variant is predicted to result in the amino acid substitution p.Arg191His. To our knowledge, this variant has not been reported in the literature in individuals with JUP-related disorders. This variant is reported in 0.0065% of alleles in individuals of South Asian descent in gnomAD. At this time, the clinical significance of this variant is uncertain due to the absence of conclusive functional and genetic evidence.

Ambry Genetics
Classification: Uncertain significance for Cardiovascular phenotype. Last evaluated: 2024-04-19. Review status: criteria provided, single submitter. Criteria: Ambry Variant Classification Scheme 2023. Collection method: clinical testing. Allele origin: germline.
Comment: The p.R191H variant (also known as c.572G>A), located in coding exon 3 of the JUP gene, results from a G to A substitution at nucleotide position 572. The arginine at codon 191 is replaced by histidine, an amino acid with highly similar properties. This amino acid position is highly conserved in available vertebrate species. In addition, the in silico prediction by BayesDel for this alteration is inconclusive. Since supporting evidence is limited at this time, the clinical significance of this alteration remains unclear.

Fulgent Genetics
Classification: Uncertain significance for Naxos disease; Arrhythmogenic right ventricular dysplasia 12. Last evaluated: 2021-09-22. Review status: criteria provided, single submitter. Criteria: ACMG Guidelines, 2015. Collection method: clinical testing. Allele origin: unknown.

Breakthrough Genomics
Classification: Uncertain significance. Review status: criteria provided, single submitter. Criteria: ACMG Guidelines, 2015. Collection method: not provided. Allele origin: germline. Inheritance: Autosomal recessive inheritance. Affected: yes.

NM_002230.4(JUP):c.572G>A (p.Arg191His)

Gene: JUP (junction plakoglobin; minus strand). Cytogenetic location: 17q21.2.
Variant type: single nucleotide variant.
Coding change: c.572G>A on transcript NM_002230.4 (MANE Select); coding-DNA position 572, G replaced by A.
Protein change: p.Arg191His; replaces arginine 191 with histidine.
Molecular consequence: missense variant.
Genome position (GRCh38, 1-based): chr17:41,769,104, C>T on the plus strand (G>A on the coding strand, the complement: JUP is on the minus strand). VCF-style: chr17-41769104-C-T. GRCh37 (hg19) VCF-style: chr17-39925356-C-T.
Other names: c.572G>A, p.Arg191His (NM_001352773.2, NM_001352774.2, NM_001352775.2 and 3 more transcripts); c.572G>A (NM_021991.2); short protein forms R191H.
Identifiers: ClinVar variation 518496 (VCV000518496.15), dbSNP rs143502391, ClinGen allele CA8565441.